The following is an entry in ClinVar:

ClinVar aggregate classification (germline): Uncertain significance. Review status: criteria provided, multiple submitters, no conflicts (2 of 4 stars). 2 submissions from 2 submitters: Uncertain significance (2). Last evaluated 2024-06-01.

Conditions:
Joubert syndrome 17 (JBTS17). Identifiers: Orphanet 475, MedGen C3553264, MONDO:0013824, OMIM 614615.
Orofaciodigital syndrome type 6 (OFD6). Also called: OROFACIODIGITAL SYNDROME VI; OFDS VI; POLYDACTYLY, CLEFT LIP/PALATE OR LINGUAL LUMP, AND PSYCHOMOTOR RETARDATION; VARADI SYNDROME; VARADI-PAPP SYNDROME; Oral-facial-digital syndrome type 6. Identifiers: Orphanet 2754, MedGen C2745997, MONDO:0010176, OMIM 277170.

Allele frequency attached by ClinVar (database versions not stated): gnomAD 0.00001; TOPMed 0.00001.
gnomAD v4.1: 11 of 1,550,376 alleles (0.00071%); highest among the groups gnomAD compares: Non-Finnish European, 0.00087%; no homozygotes.

Submissions (2):

Fulgent Genetics
Classification: Uncertain significance for Orofaciodigital syndrome type 6; Joubert syndrome 17. Last evaluated: 2024-06-01. Review status: criteria provided, single submitter. Criteria: ACMG Guidelines, 2015. Collection method: clinical testing. Allele origin: germline.

Labcorp Genetics (formerly Invitae), Labcorp
Classification: Uncertain significance. Last evaluated: 2022-05-12. Review status: criteria provided, single submitter. Criteria: Invitae Variant Classification Sherloc (09022015). Collection method: clinical testing. Allele origin: germline.
Comment: This sequence change replaces arginine, which is basic and polar, with lysine, which is basic and polar, at codon 472 of the CPLANE1 protein (p.Arg472Lys). This variant is present in population databases (no rsID available, gnomAD 0.003%). This variant has not been reported in the literature in individuals affected with CPLANE1-related conditions. Advanced modeling of protein sequence and biophysical properties (such as structural, functional, and spatial information, amino acid conservation, physicochemical variation, residue mobility, and thermodynamic stability) performed at Invitae indicates that this missense variant is not expected to disrupt CPLANE1 protein function. Algorithms developed to predict the effect of sequence changes on RNA splicing suggest that this variant may create or strengthen a splice site. In summary, the available evidence is currently insufficient to determine the role of this variant in disease. Therefore, it has been classified as a Variant of Uncertain Significance.

NM_001384732.1(CPLANE1):c.1415G>A (p.Arg472Lys)

Gene: CPLANE1 (ciliogenesis and planar polarity effector complex subunit 1; minus strand). Cytogenetic location: 5p13.2.
Variant type: single nucleotide variant.
Coding change: c.1415G>A on transcript NM_001384732.1 (MANE Select); coding-DNA position 1415, G replaced by A.
Protein change: p.Arg472Lys; replaces arginine 472 with lysine.
Molecular consequence: missense variant.
Genome position (GRCh38, 1-based): chr5:37,227,349, C>T on the plus strand (G>A on the coding strand, the complement: CPLANE1 is on the minus strand). VCF-style: chr5-37227349-C-T. GRCh37 (hg19) VCF-style: chr5-37227451-C-T.
Other names: c.1415G>A (NM_023073.3); c.1415G>A, p.Arg472Lys (NM_023073.4); short protein forms R472K.
Identifiers: ClinVar variation 1922177 (VCV001922177.3), dbSNP rs1187221964, ClinGen allele CA359503331.